The following is an entry in ClinVar:

ClinVar aggregate classification (germline): Pathogenic/Likely pathogenic. Review status: criteria provided, multiple submitters, no conflicts (2 of 4 stars). 4 submissions from 4 submitters: Pathogenic (3); Likely pathogenic (1). Last evaluated 2026-03-26.

Conditions:
TUBGCP6-related disorder. Also called: TUBGCP6-related condition.
Microcephaly and chorioretinopathy 1. Also called: Microcephaly and chorioretinopathy, autosomal recessive, 1. Identifiers: MedGen C3278481, MONDO:0009624, OMIM 251270.

Allele frequency attached by ClinVar (database versions not stated): gnomAD exomes 0.00002 and below 0.00001; TOPMed below 0.00001.

Submissions (4):

GeneDx
Classification: Pathogenic. Last evaluated: 2026-03-26. Review status: criteria provided, single submitter. Criteria: GeneDx Variant Classification Process June 2021. Collection method: clinical testing. Allele origin: germline.
Comment: Nonsense variant predicted to result in protein truncation or nonsense mediated decay in a gene for which loss of function is a known mechanism of disease; Not observed at significant frequency in large population cohorts (gnomAD); This variant is associated with the following publications: (PMID: 31964843, 39634241, 37031378)

Labcorp Genetics (formerly Invitae), Labcorp
Classification: Pathogenic. Last evaluated: 2025-09-17. Review status: criteria provided, single submitter. Criteria: Invitae Variant Classification Sherloc (09022015). Collection method: clinical testing. Allele origin: germline.
Comment: This sequence change creates a premature translational stop signal (p.Arg564*) in the TUBGCP6 gene. It is expected to result in an absent or disrupted protein product. Loss-of-function variants in TUBGCP6 are known to be pathogenic (PMID: 25344692). This variant is present in population databases (no rsID available, gnomAD 0.0009%). This variant has not been reported in the literature in individuals affected with TUBGCP6-related conditions. ClinVar contains an entry for this variant (Variation ID: 1456835). For these reasons, this variant has been classified as Pathogenic.

Variantyx, Inc.
Classification: Pathogenic for Microcephaly and chorioretinopathy 1. Last evaluated: 2025-05-22. Review status: criteria provided, single submitter. Criteria: Variantyx Assertion Criteria 2022. Collection method: clinical testing. Allele origin: germline. Inheritance: Autosomal recessive inheritance.
Comment: This is a nonsense variant in the TUBGCP6 gene (OMIM: 610053). Pathogenic variants in this gene have been associated with autosomal recessive microcephaly and chorioretinopathy 1. This variant introduces a premature termination codon in exon 8 out of 25 and is expected to result in loss of function, which is a known disease mechanism for TUBGCP6 in this disorder (PMID: 37031378, 25344692) (PVS1). This variant has been identified in the homozygous or compound heterozygous state in at least one individual reported in the published literature (PMID: 37031378) (PM3). It has a 0.0035% maximum allele frequency in non-founder control populations (PM2). Based on the current evidence, this variant is classified as pathogenic for autosomal recessive microcephaly and chorioretinopathy 1.

Blueprint Genetics
Classification: Likely pathogenic for TUBGCP6-related disorders. Last evaluated: 2024-07-10. Review status: criteria provided, single submitter. Criteria: ACMG Guidelines, 2015. Collection method: clinical testing. Allele origin: germline. Affected: yes. Observed: 2 variant alleles.

Literature cited by the submitters: PubMed 25344692 (cited by Labcorp Genetics (formerly Invitae), Labcorp and Variantyx, Inc.); PubMed 37031378 (cited by Variantyx, Inc.).

NM_020461.4(TUBGCP6):c.1690C>T (p.Arg564Ter)

Gene: TUBGCP6 (tubulin gamma complex component 6; minus strand). Cytogenetic location: 22q13.33.
Variant type: single nucleotide variant.
Coding change: c.1690C>T on transcript NM_020461.4 (MANE Select); coding-DNA position 1690, C replaced by T.
Protein change: p.Arg564Ter; replaces arginine 564 with a stop codon.
Molecular consequence: nonsense.
Genome position (GRCh38, 1-based): chr22:50,226,290, G>A on the plus strand (C>T on the coding strand, the complement: TUBGCP6 is on the minus strand). VCF-style: chr22-50226290-G-A. GRCh37 (hg19) VCF-style: chr22-50664719-G-A.
Other names: c.1690C>T (NM_020461.3); short protein forms R564*.
Identifiers: ClinVar variation 1456835 (VCV001456835.9), dbSNP rs868312344, ClinGen allele CA325466080.